The following is an entry in ClinVar:

ClinVar aggregate classification (germline): Uncertain significance. Review status: criteria provided, multiple submitters, no conflicts (2 of 4 stars). 2 submissions from 2 submitters: Uncertain significance (2). Last evaluated 2024-02-25.

Conditions:
Hereditary cancer-predisposing syndrome. Also called: Hereditary neoplastic syndrome; Neoplastic Syndromes, Hereditary; Hereditary Cancer Syndrome; Tumor predisposition. Identifiers: Orphanet 140162, MedGen C0027672, MeSH D009386, MONDO:0015356.

Submissions (2):

Ambry Genetics
Classification: Uncertain significance for Hereditary cancer-predisposing syndrome. Last evaluated: 2024-02-25. Review status: criteria provided, single submitter. Criteria: Ambry Variant Classification Scheme 2023. Collection method: clinical testing. Allele origin: germline.
Comment: The p.E770K variant (also known as c.2308G>A), located in coding exon 14 of the RAD50 gene, results from a G to A substitution at nucleotide position 2308. The glutamic acid at codon 770 is replaced by lysine, an amino acid with similar properties. This amino acid position is conserved. In addition, the in silico prediction for this alteration is inconclusive. Based on the available evidence, the clinical significance of this alteration remains unclear.

Labcorp Genetics (formerly Invitae), Labcorp
Classification: Uncertain significance for Hereditary cancer-predisposing syndrome. Last evaluated: 2021-01-15. Review status: criteria provided, single submitter. Criteria: Invitae Variant Classification Sherloc (09022015). Collection method: clinical testing. Allele origin: germline.
Comment: This variant has not been reported in the literature in individuals with RAD50-related conditions. This variant is not present in population databases (ExAC no frequency). This sequence change replaces glutamic acid with lysine at codon 770 of the RAD50 protein (p.Glu770Lys). The glutamic acid residue is moderately conserved and there is a small physicochemical difference between glutamic acid and lysine. Algorithms developed to predict the effect of missense changes on protein structure and function (SIFT, PolyPhen-2, Align-GVGD) all suggest that this variant is likely to be tolerated, but these predictions have not been confirmed by published functional studies and their clinical significance is uncertain. In summary, the available evidence is currently insufficient to determine the role of this variant in disease. Therefore, it has been classified as a Variant of Uncertain Significance.

NM_005732.4(RAD50):c.2308G>A (p.Glu770Lys)

Gene: RAD50 (RAD50 double strand break repair protein; plus strand). Cytogenetic location: 5q31.1.
Variant type: single nucleotide variant.
Coding change: c.2308G>A on transcript NM_005732.4 (MANE Select); coding-DNA position 2308, G replaced by A.
Protein change: p.Glu770Lys; replaces glutamic acid 770 with lysine.
Molecular consequence: missense variant.
Genome position (GRCh38, 1-based): chr5:132,603,400, G>A. VCF-style: chr5-132603400-G-A. GRCh37 (hg19) VCF-style: chr5-131939092-G-A.
Other names: c.2308G>A (NM_005732.3); short protein forms E770K.
Identifiers: ClinVar variation 1487987 (VCV001487987.9), dbSNP rs2149846960, ClinGen allele CA360954527.